The following is an entry in ClinVar:

ClinVar aggregate classification (germline): Likely benign. Review status: criteria provided, single submitter (1 of 4 stars). 2 submissions from 2 submitters: Likely benign (1). 1 of the submissions does not count toward it. Last evaluated 2022-03-03.

Conditions:
Bardet-Biedl syndrome (BBS). Identifiers: Orphanet 110, MedGen C0752166, MONDO:0015229.
BBS10-related disorder. Also called: BBS10-related condition.

Allele frequency attached by ClinVar (database versions not stated): ExAC 0.00001; gnomAD exomes 0.00001; ESP Exome Variant Server 0.00008.
gnomAD v4.1: 9 of 1,613,740 alleles (0.00056%); highest among the groups gnomAD compares: Non-Finnish European, 0.00076%; no homozygotes.

Submissions (2):

Labcorp Genetics (formerly Invitae), Labcorp
Classification: Likely benign for Bardet-Biedl syndrome. Last evaluated: 2022-03-03. Review status: criteria provided, single submitter. Criteria: Invitae Variant Classification Sherloc (09022015). Collection method: clinical testing. Allele origin: germline.

PreventionGenetics, part of Exact Sciences
Classification: Likely benign for BBS10-related condition. Last evaluated: 2021-08-03. Review status: no assertion criteria provided. Collection method: clinical testing. Allele origin: germline. Not counted in ClinVar's aggregate classification.
Comment: This variant is classified as likely benign based on ACMG/AMP sequence variant interpretation guidelines (Richards et al. 2015 PMID: 25741868, with internal and published modifications).

NM_024685.4(BBS10):c.381A>G (p.Lys127=)

Gene: BBS10 (Bardet-Biedl syndrome 10; minus strand). Cytogenetic location: 12q21.2.
Variant type: single nucleotide variant.
Coding change: c.381A>G on transcript NM_024685.4 (MANE Select); coding-DNA position 381, A replaced by G.
Protein change: p.Lys127=; no amino-acid change (lysine 127 retained).
Molecular consequence: synonymous variant.
Genome position (GRCh38, 1-based): chr12:76,347,604, T>C on the plus strand (A>G on the coding strand, the complement: BBS10 is on the minus strand). VCF-style: chr12-76347604-T-C. GRCh37 (hg19) VCF-style: chr12-76741384-T-C.
Other names: c.381A>G (NM_024685.3).
Identifiers: ClinVar variation 2202395 (VCV002202395.5), dbSNP rs372522496, ClinGen allele CA6694362.